The following is an entry in ClinVar:

ClinVar aggregate classification (germline): Uncertain significance (1 of 4 stars; one submission).

Conditions:
Arrhythmogenic right ventricular dysplasia 9 (ARVD9). Also called: ARRHYTHMOGENIC RIGHT VENTRICULAR DYSPLASIA, FAMILIAL, 9; Arrhythmogenic Right Ventricular Dysplasia/Cardiomyopathy 9. Identifiers: MedGen C1836906, MONDO:0012180, OMIM 609040.

Submission:

Labcorp Genetics (formerly Invitae), Labcorp
Classification: Uncertain significance for Arrhythmogenic right ventricular dysplasia 9. Last evaluated: 2022-01-06. Review status: criteria provided, single submitter. Criteria: Invitae Variant Classification Sherloc (09022015). Collection method: clinical testing. Allele origin: germline.
Comment: In summary, the available evidence is currently insufficient to determine the role of this variant in disease. Therefore, it has been classified as a Variant of Uncertain Significance. Algorithms developed to predict the effect of missense changes on protein structure and function are either unavailable or do not agree on the potential impact of this missense change (SIFT: "Deleterious"; PolyPhen-2: "Possibly Damaging"; Align-GVGD: "Class C15"). This variant has not been reported in the literature in individuals affected with PKP2-related conditions. This variant is not present in population databases (gnomAD no frequency). This sequence change replaces glycine, which is neutral and non-polar, with arginine, which is basic and polar, at codon 741 of the PKP2 protein (p.Gly741Arg).

NM_001005242.3(PKP2):c.2089G>C (p.Gly697Arg)

Gene: PKP2 (plakophilin 2; minus strand). Cytogenetic location: 12p11.21.
Variant type: single nucleotide variant.
Coding change: c.2089G>C on transcript NM_001005242.3 (MANE Select); coding-DNA position 2089, G replaced by C.
Protein change: p.Gly697Arg; replaces glycine 697 with arginine.
Molecular consequence: missense variant.
Genome position (GRCh38, 1-based): chr12:32,802,481, C>G on the plus strand (G>C on the coding strand, the complement: PKP2 is on the minus strand). VCF-style: chr12-32802481-C-G. GRCh37 (hg19) VCF-style: chr12-32955415-C-G.
Other names: c.2221G>C, p.Gly741Arg (NM_004572.4); short protein forms G697R, G741R.
Identifiers: ClinVar variation 1368782 (VCV001368782.6), dbSNP rs2137725489, ClinGen allele CA384359744.